The following is an entry in ClinVar:

ClinVar aggregate classification (germline): Uncertain significance (1 of 4 stars; one submission).

Allele frequency attached by ClinVar (database versions not stated): gnomAD exomes 0.00024 and 0.00042; gnomAD 0.00026 and 0.00027; TOPMed 0.00026; ESP Exome Variant Server 0.00031; ExAC 0.00052; 1000 Genomes Project 30x 0.00062; 1000 Genomes Project 0.00080.
gnomAD v4.1: 417 of 1,594,120 alleles (0.026%); highest among the groups gnomAD compares: East Asian, 0.1%; 1 homozygote.

Submission:

Labcorp Genetics (formerly Invitae), Labcorp
Classification: Uncertain significance. Last evaluated: 2026-01-26. Review status: criteria provided, single submitter. Criteria: Invitae Variant Classification Sherloc (09022015). Collection method: clinical testing. Allele origin: germline.
Comment: This sequence change replaces arginine, which is basic and polar, with histidine, which is basic and polar, at codon 498 of the IL12RB2 protein (p.Arg498His). This variant is present in population databases (rs145064314, gnomAD 0.2%), and has an allele count higher than expected for a pathogenic variant. This variant has not been reported in the literature in individuals affected with IL12RB2-related conditions. ClinVar contains an entry for this variant (Variation ID: 1409952). An algorithm developed to predict the effect of missense changes on protein structure and function outputs the following: PolyPhen-2: "Benign". The histidine amino acid residue is found in multiple mammalian species, which suggests that this missense change does not adversely affect protein function. In summary, the available evidence is currently insufficient to determine the role of this variant in disease. Therefore, it has been classified as a Variant of Uncertain Significance.

NM_001374259.2(IL12RB2):c.1493G>A (p.Arg498His)

Gene: IL12RB2 (interleukin 12 receptor subunit beta 2; plus strand). Cytogenetic location: 1p31.3.
Variant type: single nucleotide variant.
Coding change: c.1493G>A on transcript NM_001374259.2 (MANE Select); coding-DNA position 1493, G replaced by A.
Protein change: p.Arg498His; replaces arginine 498 with histidine.
Molecular consequence: missense variant. On other transcripts: non-coding transcript variant (2), intron variant (1).
Genome position (GRCh38, 1-based): chr1:67,372,469, G>A. VCF-style: chr1-67372469-G-A. GRCh37 (hg19) VCF-style: chr1-67838152-G-A.
Other names: c.1493G>A, p.Arg498His (NM_001258214.1, NM_001258216.1, NM_001319233.1 and 1 more transcripts); c.1459+4444G>A (NM_001258215.1); short protein forms R498H.
Identifiers: ClinVar variation 1409952 (VCV001409952.6), dbSNP rs145064314, ClinGen allele CA900510.
Genomic context (GRCh38, chr1:67,372,469, plus strand): 5'-GTTATGGGAATTCCCTTTTCCTTGCAGAGAACATAAAATCCTACATCTGTTATGAAATCC[G>A]TGTGTATGCACTCTCAGGGGATCAAGGAGGATGCAGCTCCATCCTGGGTAACTCTAAGCA-3'
Protein context (NP_001361188.1, residues 488-508): NIKSYICYEI[Arg498His]VYALSGDQGG